The following is an entry in ClinVar:

NM_001711.6(BGN):c.95G>A (p.Gly32Glu)

Gene: BGN (biglycan; plus strand). Cytogenetic location: Xq28.
Variant type: single nucleotide variant.
Coding change: c.95G>A on transcript NM_001711.6 (MANE Select); coding-DNA position 95, G replaced by A.
Protein change: p.Gly32Glu; replaces glycine 32 with glutamic acid.
Molecular consequence: missense variant.
Genome position (GRCh38, 1-based): chrX:153,504,726, G>A. VCF-style: chrX-153504726-G-A. GRCh37 (hg19) VCF-style: chrX-152770184-G-A.
Other names: c.95G>A (NM_001711.4); short protein forms G32E.
Identifiers: ClinVar variation 3603320 (VCV003603320.3).

ClinVar aggregate classification (germline): Uncertain significance. Review status: criteria provided, multiple submitters, no conflicts (2 of 4 stars). 2 submissions from 2 submitters: Uncertain significance (2). Last evaluated 2025-09-28.

Conditions:
Cardiovascular phenotype. Identifiers: MedGen CN230736.

gnomAD v4.1: 1 of 1,211,801 alleles (0.000083%); highest among the groups gnomAD compares: Admixed American, 0.0022%; no homozygotes.

Submissions (2):

Labcorp Genetics (formerly Invitae), Labcorp
Classification: Uncertain significance. Last evaluated: 2025-09-28. Review status: criteria provided, single submitter. Criteria: Invitae Variant Classification Sherloc (09022015). Collection method: clinical testing. Allele origin: germline.
Comment: This sequence change replaces glycine, which is neutral and non-polar, with glutamic acid, which is acidic and polar, at codon 32 of the BGN protein (p.Gly32Glu). This variant is present in population databases (no rsID available, gnomAD 0.004%). This variant has not been reported in the literature in individuals affected with BGN-related conditions. ClinVar contains an entry for this variant (Variation ID: 3603320). An algorithm developed to predict the effect of missense changes on protein structure and function (PolyPhen-2) suggests that this variant is likely to be tolerated. In summary, the available evidence is currently insufficient to determine the role of this variant in disease. Therefore, it has been classified as a Variant of Uncertain Significance.

Ambry Genetics
Classification: Uncertain significance for Cardiovascular phenotype. Last evaluated: 2025-09-18. Review status: criteria provided, single submitter. Criteria: Ambry Variant Classification Scheme 2023. Collection method: clinical testing. Allele origin: germline.
Comment: The p.G32E variant (also known as c.95G>A), located in coding exon 1 of the BGN gene, results from a G to A substitution at nucleotide position 95. The glycine at codon 32 is replaced by glutamic acid, an amino acid with similar properties. This amino acid position is conserved. In addition, this alteration is predicted to be tolerated by in silico analysis. Based on the available evidence, the clinical significance of this variant remains unclear.